The following is an entry in ClinVar:

ClinVar aggregate classification (germline): Conflicting classifications of pathogenicity. Review status: criteria provided, conflicting classifications (1 of 4 stars). 5 submissions from 5 submitters: Uncertain significance (4); Likely benign (1). Last evaluated 2026-03-04.

Conditions:
SMARCA4-related disorder. Also called: SMARCA4-related condition.
Hereditary cancer-predisposing syndrome. Also called: Neoplastic Syndromes, Hereditary; Hereditary Cancer Syndrome; Tumor predisposition; Hereditary neoplastic syndrome. Identifiers: Orphanet 140162, MedGen C0027672, MeSH D009386, MONDO:0015356.
Intellectual disability, autosomal dominant 16 (CSS4). Also called: COFFIN-SIRIS SYNDROME 4. Identifiers: Orphanet 1465, MedGen C3553249, MONDO:0013821, OMIM 614609.
Rhabdoid tumor predisposition syndrome 2 (RTPS2). Identifiers: Orphanet 231108, Orphanet 69077, MedGen C2750074, MONDO:0013224, OMIM 613325.

Allele frequency attached by ClinVar (database versions not stated): gnomAD 0.00001; gnomAD exomes 0.00001; TOPMed 0.00002.
gnomAD v4.1: 10 of 1,612,188 alleles (0.00062%); highest among the groups gnomAD compares: Non-Finnish European, 0.00076%; no homozygotes.

Submissions (5):

PreventionGenetics, part of Exact Sciences
Classification: Uncertain significance for SMARCA4-related condition. Last evaluated: 2026-03-04. Review status: criteria provided, single submitter. Criteria: ACMG Guidelines, 2015. Collection method: clinical testing. Allele origin: germline.
Comment: The SMARCA4 c.1052G>A variant is predicted to result in the amino acid substitution p.Arg351His. To our knowledge, this variant has not been reported in the literature or in a large population database (gnomAD), indicating this variant is rare. At this time, the clinical significance of this variant is uncertain due to the absence of conclusive functional and genetic evidence.

Labcorp Genetics (formerly Invitae), Labcorp
Classification: Uncertain significance for Rhabdoid tumor predisposition syndrome 2. Last evaluated: 2025-09-16. Review status: criteria provided, single submitter. Criteria: Invitae Variant Classification Sherloc (09022015). Collection method: clinical testing. Allele origin: germline.
Comment: This sequence change replaces arginine, which is basic and polar, with histidine, which is basic and polar, at codon 351 of the SMARCA4 protein (p.Arg351His). This variant is not present in population databases (gnomAD no frequency). This variant has not been reported in the literature in individuals affected with SMARCA4-related conditions. ClinVar contains an entry for this variant (Variation ID: 484852). Invitae Evidence Modeling of protein sequence and biophysical properties (such as structural, functional, and spatial information, amino acid conservation, physicochemical variation, residue mobility, and thermodynamic stability) indicates that this missense variant is expected to disrupt SMARCA4 protein function with a positive predictive value of 80%. In summary, the available evidence is currently insufficient to determine the role of this variant in disease. Therefore, it has been classified as a Variant of Uncertain Significance.

Baylor Genetics
Classification: Uncertain significance for Rhabdoid tumor predisposition syndrome 2. Last evaluated: 2023-07-29. Review status: criteria provided, single submitter. Criteria: ACMG Guidelines, 2015. Collection method: clinical testing. Allele origin: unknown.

Ambry Genetics
Classification: Likely benign for Hereditary cancer-predisposing syndrome. Last evaluated: 2022-09-01. Review status: criteria provided, single submitter. Criteria: Ambry Variant Classification Scheme 2023. Collection method: clinical testing. Allele origin: germline.

Genome-Nilou Lab
Classification: Uncertain significance for Intellectual disability, autosomal dominant 16. Last evaluated: 2021-07-15. Review status: criteria provided, single submitter. Criteria: ACMG Guidelines, 2015. Collection method: clinical testing. Allele origin: germline. Affected: no.

NM_003072.5(SMARCA4):c.1052G>A (p.Arg351His)

Gene: SMARCA4 (SWI/SNF related BAF chromatin remodeling complex subunit ATPase 4; plus strand). Cytogenetic location: 19p13.2.
Variant type: single nucleotide variant.
Coding change: c.1052G>A on transcript NM_003072.5 (MANE Select); coding-DNA position 1052, G replaced by A.
Protein change: p.Arg351His; replaces arginine 351 with histidine.
Molecular consequence: missense variant. On other transcripts: non-coding transcript variant (1).
Genome position (GRCh38, 1-based): chr19:10,987,858, G>A. VCF-style: chr19-10987858-G-A. GRCh37 (hg19) VCF-style: chr19-11098534-G-A.
Other names: c.1052G>A, p.Arg351His (NM_001128844.3, NM_001128845.2, NM_001128846.2 and 5 more transcripts); short protein forms R351H.
Identifiers: ClinVar variation 484852 (VCV000484852.20), dbSNP rs1018881303, ClinGen allele CA305287590.
Genomic context (GRCh38, chr19:10,987,858, plus strand): 5'-AGTCCCCCGGGCAGCCGGCCCAGCCCGCGCCCATGGTGCCACTGCACCAGAAGCAGAGCC[G>A]CATCACCCCCATCCAGAAGCCGCGGGGCCTCGACCCTGTGGAGATCCTGCAGGAGCGCGA-3'
Protein context (NP_003063.2, residues 341-361): PMVPLHQKQS[Arg351His]ITPIQKPRGL